The following is an entry in ClinVar:

ClinVar aggregate classification (germline): Uncertain significance (1 of 4 stars; one submission).

Submission:

Ambry Genetics
Classification: Uncertain significance. Last evaluated: 2024-06-23. Review status: criteria provided, single submitter. Criteria: Ambry Variant Classification Scheme 2023. Collection method: clinical testing. Allele origin: germline.
Comment: The p.V865A variant (also known as c.2594T>C), located in coding exon 21 of the BUB1 gene, results from a T to C substitution at nucleotide position 2594. The valine at codon 865 is replaced by alanine, an amino acid with similar properties. This amino acid position is conserved. In addition, this alteration is predicted to be tolerated by in silico analysis. Since supporting evidence is limited at this time, the clinical significance of this alteration remains unclear.

NM_004336.5(BUB1):c.2594T>C (p.Val865Ala)

Gene: BUB1 (BUB1 mitotic checkpoint serine/threonine kinase; minus strand). Cytogenetic location: 2q13.
Variant type: single nucleotide variant.
Coding change: c.2594T>C on transcript NM_004336.5 (MANE Select); coding-DNA position 2594, T replaced by C.
Protein change: p.Val865Ala; replaces valine 865 with alanine.
Molecular consequence: missense variant.
Genome position (GRCh38, 1-based): chr2:110,641,673, A>G on the plus strand (T>C on the coding strand, the complement: BUB1 is on the minus strand). VCF-style: chr2-110641673-A-G. GRCh37 (hg19) VCF-style: chr2-111399250-A-G.
Other names: c.2534T>C, p.Val845Ala (NM_001278616.2); c.2594T>C, p.Val865Ala (NM_001278617.2); short protein forms V865A, V845A.
Identifiers: ClinVar variation 1793558 (VCV001793558.3), dbSNP rs879858517, ClinGen allele CA53522333.
Genomic context (GRCh38, chr2:110,641,673, plus strand): 5'-ATGTGCTCATCATAAAAATGAATACTTACTAATAATGTTCCATAGCTGTAGAGCTCTCCT[A>G]CTAATACACTGCCATTCTGGAATAAGTGGGCAGAATAGAACTTCATAAACATGTGCTGCA-3'
Protein context (NP_004327.1, residues 855-875): AHLFQNGSVL[Val865Ala]GELYSYGTLL